The following is an entry in ClinVar:

NM_000359.3(TGM1):c.37_38delinsA (p.Gly13fs)

Gene: TGM1 (transglutaminase 1; minus strand). Cytogenetic location: 14q12.
Variant type: Indel.
Coding change: c.37_38delinsA on transcript NM_000359.3 (MANE Select); coding-DNA positions 37 to 38, GG replaced by A.
Protein change: p.Gly13fs; shifts the reading frame from glycine 13.
Molecular consequence: frameshift variant.
Genome position (GRCh38, 1-based): chr14:24,262,315-24,262,316, CC replaced by T on the plus strand (GG replaced by A on the coding strand, the reverse complement: TGM1 is on the minus strand). VCF-style: chr14-24262315-CC-T. GRCh37 (hg19) VCF-style: chr14-24731521-CC-T.
Other names: short protein forms G13fs.
Identifiers: ClinVar variation 4818265 (VCV004818265.1).

ClinVar aggregate classification (germline): Pathogenic (1 of 4 stars; one submission).

Conditions:
Autosomal recessive congenital ichthyosis 1 (LI1). Also called: COLLODION FETUS; DESQUAMATION OF NEWBORN; ICHTHYOSIS CONGENITA; ICHTHYOSIS CONGENITA II; LAMELLAR EXFOLIATION OF NEWBORN; ICHTHYOSIS, CONGENITAL, AUTOSOMAL RECESSIVE 1, WITH BATHING SUIT DISTRIBUTION. Identifiers: MedGen C4551630, MONDO:0009441, OMIM 242300.

Submission:

Natera, Inc.
Classification: Pathogenic for Autosomal recessive congenital ichthyosis type 1. Last evaluated: 2025-09-30. Review status: criteria provided, single submitter. Criteria: Natera Variant Classification Schema (03/2026). Collection method: clinical testing. Allele origin: germline.
Comment: The c.37_38delGGinsA variant in TGM1 is a frameshift variant predicted to shift the reading frame beginning at codon 13 and leads to a stop codon 98 codons downstream. This variant is expected to result in nonsense mediated decay, truncation, or a dysfunctional protein product. This variant is rare in the general population with a frequency below the threshold expected for the associated phenotype(s). This variant has been observed in one or more individuals affected with the associated recessive disease, as either homozygous or compound heterozygous with a second variant (PMID: 23278109). Given the available evidence, this variant is classified as Pathogenic.

Literature cited by the submitters: PubMed 23278109.